The following is an entry in ClinVar:

NM_003002.4(SDHD):c.355G>T (p.Ala119Ser)

Gene: SDHD (succinate dehydrogenase complex subunit D; plus strand). Cytogenetic location: 11q23.1.
Variant type: single nucleotide variant.
Coding change: c.355G>T on transcript NM_003002.4 (MANE Select); coding-DNA position 355, G replaced by T.
Protein change: p.Ala119Ser; replaces alanine 119 with serine.
Molecular consequence: missense variant. On other transcripts: 3 prime UTR variant (1), non-coding transcript variant (1).
Genome position (GRCh38, 1-based): chr11:112,094,845, G>T. VCF-style: chr11-112094845-G-T. GRCh37 (hg19) VCF-style: chr11-111965569-G-T.
Other names: c.210G>T, p.Met70Ile (NM_001276503.2); c.238G>T, p.Ala80Ser (NM_001276504.2); c.*53G>T (NM_001276506.2); short protein forms A119S, M70I, A80S.
Identifiers: ClinVar variation 486441 (VCV000486441.18), dbSNP rs930768406, ClinGen allele CA382618942.

ClinVar aggregate classification (germline): Uncertain significance. Review status: criteria provided, multiple submitters, no conflicts (2 of 4 stars). 3 submissions from 3 submitters: Uncertain significance (3). Last evaluated 2025-10-13.

Conditions:
Hereditary cancer-predisposing syndrome. Also called: Neoplastic Syndromes, Hereditary; Hereditary neoplastic syndrome; Tumor predisposition; Hereditary Cancer Syndrome. Identifiers: Orphanet 140162, MedGen C0027672, MeSH D009386, MONDO:0015356.
Paragangliomas with sensorineural hearing loss. Identifiers: MedGen C1868633.
Pheochromocytoma. Also called: MAX-Related Hereditary Paraganglioma-Pheochromocytoma Syndrome. Identifiers: Orphanet 29072, MedGen C0031511, MONDO:0008233, OMIM 171300, HP:0002666.
Cowden syndrome 3 (CWS3). Identifiers: Orphanet 201, MedGen CN166604, MONDO:0014045.
Carney-Stratakis syndrome. Also called: PARAGANGLIOMA AND GASTROINTESTINAL STROMAL TUMOR. Identifiers: Orphanet 97286, MedGen C1847319, MONDO:0011740, OMIM 606864.
Hereditary pheochromocytoma and paraganglioma. Also called: Hereditary Paraganglioma-Pheochromocytoma Syndromes; Hereditary paragangliomas and pheochromocytomas; Hereditary pheochromocytoma-paraganglioma. Identifiers: Orphanet 29072, MedGen C4274332, MONDO:0017366.

gnomAD v4.1: 2 of 1,612,012 alleles (0.00012%); highest among the groups gnomAD compares: Middle Eastern, 0.023%; no homozygotes.

Submissions (3):

Labcorp Genetics (formerly Invitae), Labcorp
Classification: Uncertain significance for Carney-Stratakis syndrome; Paragangliomas with sensorineural hearing loss; Pheochromocytoma; Cowden syndrome 3. Last evaluated: 2025-10-13. Review status: criteria provided, single submitter. Criteria: Invitae Variant Classification Sherloc (09022015). Collection method: clinical testing. Allele origin: germline.
Comment: This sequence change replaces alanine, which is neutral and non-polar, with serine, which is neutral and polar, at codon 119 of the SDHD protein (p.Ala119Ser). This variant is not present in population databases (gnomAD no frequency). This variant has not been reported in the literature in individuals affected with SDHD-related conditions. ClinVar contains an entry for this variant (Variation ID: 486441). Invitae Evidence Modeling of protein sequence and biophysical properties (such as structural, functional, and spatial information, amino acid conservation, physicochemical variation, residue mobility, and thermodynamic stability) indicates that this missense variant is not expected to disrupt SDHD protein function with a negative predictive value of 95%. In summary, the available evidence is currently insufficient to determine the role of this variant in disease. Therefore, it has been classified as a Variant of Uncertain Significance.

Ambry Genetics
Classification: Uncertain significance for Hereditary cancer-predisposing syndrome. Last evaluated: 2025-02-15. Review status: criteria provided, single submitter. Criteria: Ambry Variant Classification Scheme 2023. Collection method: clinical testing. Allele origin: germline.
Comment: The p.A119S variant (also known as c.355G>T), located in coding exon 4 of the SDHD gene, results from a G to T substitution at nucleotide position 355. The alanine at codon 119 is replaced by serine, an amino acid with similar properties. This amino acid position is poorly conserved in available vertebrate species. In addition, the in silico prediction for this alteration is inconclusive. Since supporting evidence is limited at this time, the clinical significance of this alteration remains unclear.

All of Us Research Program, National Institutes of Health
Classification: Uncertain significance for Hereditary pheochromocytoma and paraganglioma. Last evaluated: 2023-04-03. Review status: criteria provided, single submitter. Criteria: ACMG Guidelines, 2015. Collection method: clinical testing. Allele origin: germline. Inheritance: Autosomal dominant inheritance. Observed: 1 variant allele, 1 heterozygote.
Comment: This missense variant replaces alanine with serine at codon 119 of the SDHD protein. Computational prediction suggests that this variant may not impact protein structure and function (internally defined REVEL score threshold <= 0.5, PMID: 27666373). To our knowledge, functional studies have not been reported for this variant. This variant has not been reported in individuals affected with SDHD-related disorders in the literature. This variant has not been identified in the general population by the Genome Aggregation Database (gnomAD). The available evidence is insufficient to determine the role of this variant in disease conclusively. Therefore, this variant is classified as a Variant of Uncertain Significance.

This study involves interpretation of variants in research participants for the purpose of population health screening. Participant phenotype was not available at the time of variant classification. Additional details can be found in publication PMID: 35346344, PMCID: PMC8962531